The following is an entry in ClinVar:

NM_000088.4(COL1A1):c.1300-1G>A

Gene: COL1A1 (collagen type I alpha 1 chain; minus strand). Cytogenetic location: 17q21.33.
Variant type: single nucleotide variant.
Coding change: c.1300-1G>A on transcript NM_000088.4 (MANE Select); the canonical splice acceptor site of the intron before coding-DNA position 1300, G replaced by A.
Molecular consequence: splice acceptor variant.
Genome position (GRCh38, 1-based): chr17:50,195,101, C>T on the plus strand (G>A on the coding strand, the complement: COL1A1 is on the minus strand). VCF-style: chr17-50195101-C-T. GRCh37 (hg19) VCF-style: chr17-48272462-C-T.
Identifiers: ClinVar variation 2138075 (VCV002138075.5), dbSNP rs2509224398, ClinGen allele CA400218617.

ClinVar aggregate classification (germline): Pathogenic. Review status: criteria provided, multiple submitters, no conflicts (2 of 4 stars). 2 submissions from 2 submitters: Pathogenic (2). Last evaluated 2025-10-27.

Conditions:
Osteogenesis imperfecta type I (OI1). Also called: OI, TYPE I; OSTEOGENESIS IMPERFECTA TARDA; OSTEOGENESIS IMPERFECTA WITH BLUE SCLERAE; Osteogenesis imperfecta type 1; Lobstein disease; Lobstein's Disease. Identifiers: Orphanet 216796, Orphanet 666, MedGen C0023931, MONDO:0008146, OMIM 166200. Disease mechanism: loss of function.

Submissions (2):

Labcorp Genetics (formerly Invitae), Labcorp
Classification: Pathogenic for Osteogenesis imperfecta type I. Last evaluated: 2025-10-27. Review status: criteria provided, single submitter. Criteria: Invitae Variant Classification Sherloc (09022015). Collection method: clinical testing. Allele origin: germline.
Comment: This sequence change affects an acceptor splice site in intron 19 of the COL1A1 gene. It is expected to disrupt RNA splicing. Variants that disrupt the donor or acceptor splice site typically lead to a loss of protein function (PMID: 16199547), and loss-of-function variants in COL1A1 are known to be pathogenic (PMID: 7942841, 9295084, 9443882). This variant is not present in population databases (gnomAD no frequency). Disruption of this splice site has been observed in individuals with osteogenesis imperfecta (PMID: 25963598, 30715774). ClinVar contains an entry for this variant (Variation ID: 2138075). Algorithms developed to predict the effect of sequence changes on RNA splicing suggest that this variant may disrupt the consensus splice site. For these reasons, this variant has been classified as Pathogenic.

Clinical Biomedical Laboratory, Shriners Hospital For Children - Canada
Classification: Pathogenic for Osteogenesis imperfecta type I. Last evaluated: 2025-07-16. Review status: criteria provided, single submitter. Criteria: ACMG Guidelines, 2015. Collection method: clinical testing. Allele origin: germline. Affected: yes.
Comment: This variant affects a canonical splice site in COL1A1. Variants that disrupt the donor or acceptor splice site typically lead to a loss of protein function. Loss-of-function variants in COL1A1 are an established cause of osteogenesis imperfecta (PMID 25963598). This variant is absent from the Genome Aggregation Database (v2.1.1). This specific variant has been reported in the literature (PMID 25963598).

Literature cited by the submitters: PubMed 16199547 (cited by Labcorp Genetics (formerly Invitae), Labcorp); PubMed 7942841 (cited by Labcorp Genetics (formerly Invitae), Labcorp); PubMed 9295084 (cited by Labcorp Genetics (formerly Invitae), Labcorp); PubMed 9443882 (cited by Labcorp Genetics (formerly Invitae), Labcorp); PubMed 25963598 (cited by Labcorp Genetics (formerly Invitae), Labcorp and Clinical Biomedical Laboratory, Shriners Hospital For Children - Canada); PubMed 30715774 (cited by Labcorp Genetics (formerly Invitae), Labcorp).